The following is an entry in ClinVar:

ClinVar aggregate classification (germline): Uncertain significance (1 of 4 stars; one submission).

Submission:

Labcorp Genetics (formerly Invitae), Labcorp
Classification: Uncertain significance. Last evaluated: 2023-12-11. Review status: criteria provided, single submitter. Criteria: Invitae Variant Classification Sherloc (09022015). Collection method: clinical testing. Allele origin: germline.
Comment: This sequence change replaces histidine, which is basic and polar, with aspartic acid, which is acidic and polar, at codon 73 of the ZBTB18 protein (p.His73Asp). This variant is not present in population databases (gnomAD no frequency). This variant has not been reported in the literature in individuals affected with ZBTB18-related conditions. An algorithm developed to predict the effect of missense changes on protein structure and function (PolyPhen-2) suggests that this variant is likely to be disruptive. In summary, the available evidence is currently insufficient to determine the role of this variant in disease. Therefore, it has been classified as a Variant of Uncertain Significance.

NM_205768.3(ZBTB18):c.217C>G (p.His73Asp)

Gene: ZBTB18 (zinc finger and BTB domain containing 18; plus strand). Cytogenetic location: 1q44.
Variant type: single nucleotide variant.
Coding change: c.217C>G on transcript NM_205768.3 (MANE Select); coding-DNA position 217, C replaced by G.
Protein change: p.His73Asp; replaces histidine 73 with aspartic acid.
Molecular consequence: missense variant.
Genome position (GRCh38, 1-based): chr1:244,053,991, C>G. VCF-style: chr1-244053991-C-G. GRCh37 (hg19) VCF-style: chr1-244217293-C-G.
Other names: c.190C>G, p.His64Asp (NM_001278196.2, NM_006352.5); c.217C>G, p.His73Asp (NM_001421566.1); short protein forms H64D, H73D.
Identifiers: ClinVar variation 2771053 (VCV002771053.3), dbSNP rs762860236, ClinGen allele CA345672397.